The following is an entry in ClinVar:

ClinVar aggregate classification (germline): Uncertain significance. Review status: criteria provided, multiple submitters, no conflicts (2 of 4 stars). 2 submissions from 2 submitters: Uncertain significance (2). Last evaluated 2023-10-16.

Conditions:
Dystonic disorder. Also called: Dystonia. Identifiers: MedGen C0013421, MONDO:0003441, HP:0001332.

Allele frequency attached by ClinVar (database versions not stated): ExAC 0.00002; gnomAD exomes 0.00002; gnomAD 0.00005; TOPMed 0.00005; ESP Exome Variant Server 0.00008; 1000 Genomes Project 30x 0.00016; 1000 Genomes Project 0.00020.
gnomAD v4.1: 26 of 1,613,698 alleles (0.0016%); highest among the groups gnomAD compares: African/African-American, 0.012%; no homozygotes.

Submissions (2):

Labcorp Genetics (formerly Invitae), Labcorp
Classification: Uncertain significance for Dystonic disorder. Last evaluated: 2023-10-16. Review status: criteria provided, single submitter. Criteria: Invitae Variant Classification Sherloc (09022015). Collection method: clinical testing. Allele origin: germline.
Comment: This sequence change replaces alanine, which is neutral and non-polar, with threonine, which is neutral and polar, at codon 638 of the ANO3 protein (p.Ala638Thr). This variant is present in population databases (rs139205902, gnomAD 0.01%). This variant has not been reported in the literature in individuals affected with ANO3-related conditions. ClinVar contains an entry for this variant (Variation ID: 1013315). Advanced modeling of protein sequence and biophysical properties (such as structural, functional, and spatial information, amino acid conservation, physicochemical variation, residue mobility, and thermodynamic stability) performed at Invitae indicates that this missense variant is not expected to disrupt ANO3 protein function. In summary, the available evidence is currently insufficient to determine the role of this variant in disease. Therefore, it has been classified as a Variant of Uncertain Significance.

CeGaT Center for Human Genetics Tuebingen
Classification: Uncertain significance. Last evaluated: 2020-11-01. Review status: criteria provided, single submitter. Criteria: CeGaT Center For Human Genetics Tuebingen Variant Classification Criteria Version 2. Collection method: clinical testing. Allele origin: germline. Affected: yes. Observed: 2 variant alleles.

NM_031418.4(ANO3):c.1912G>A (p.Ala638Thr)

Gene: ANO3 (anoctamin 3; plus strand). Cytogenetic location: 11p14.2.
Variant type: single nucleotide variant.
Coding change: c.1912G>A on transcript NM_031418.4 (MANE Select); coding-DNA position 1912, G replaced by A.
Protein change: p.Ala638Thr; replaces alanine 638 with threonine.
Molecular consequence: missense variant.
Genome position (GRCh38, 1-based): chr11:26,634,242, G>A. VCF-style: chr11-26634242-G-A. GRCh37 (hg19) VCF-style: chr11-26655789-G-A.
Other names: c.2095G>A, p.Ala699Thr (NM_001313726.2); c.1474G>A, p.Ala492Thr (NM_001313727.2); short protein forms A492T, A638T, A699T.
Identifiers: ClinVar variation 1013315 (VCV001013315.41), dbSNP rs139205902, ClinGen allele CA5926367.